The following is an entry in ClinVar:

NM_003002.4(SDHD):c.314G>A (p.Trp105Ter)

Gene: SDHD (succinate dehydrogenase complex subunit D; plus strand). Cytogenetic location: 11q23.1.
Variant type: single nucleotide variant.
Coding change: c.314G>A on transcript NM_003002.4 (MANE Select); coding-DNA position 314, G replaced by A.
Protein change: p.Trp105Ter; replaces tryptophan 105 with a stop codon.
Molecular consequence: nonsense. On other transcripts: non-coding transcript variant (1), intron variant (1).
Genome position (GRCh38, 1-based): chr11:112,089,011, G>A. VCF-style: chr11-112089011-G-A. GRCh37 (hg19) VCF-style: chr11-111959735-G-A.
Other names: c.197G>A, p.Trp66Ter (NM_001276504.2); c.314G>A, p.Trp105Ter (NM_001276506.2); c.169+1038G>A (NM_001276503.2); short protein forms W105*, W66*.
Identifiers: ClinVar variation 428939 (VCV000428939.15), dbSNP rs1131691065, ClinGen allele CA382617436.

ClinVar aggregate classification (germline): Pathogenic/Likely pathogenic. Review status: criteria provided, multiple submitters, no conflicts (2 of 4 stars). 4 submissions from 4 submitters: Pathogenic (3); Likely pathogenic (1). Last evaluated 2024-07-01.

Conditions:
Carney-Stratakis syndrome. Also called: PARAGANGLIOMA AND GASTROINTESTINAL STROMAL TUMOR. Identifiers: Orphanet 97286, MedGen C1847319, MONDO:0011740, OMIM 606864.
Pheochromocytoma. Also called: MAX-Related Hereditary Paraganglioma-Pheochromocytoma Syndrome. Identifiers: Orphanet 29072, MedGen C0031511, MONDO:0008233, OMIM 171300, HP:0002666.
Paragangliomas with sensorineural hearing loss. Identifiers: MedGen C1868633.
Cowden syndrome 3 (CWS3). Identifiers: Orphanet 201, MedGen CN166604, MONDO:0014045.
Hereditary cancer-predisposing syndrome. Also called: Hereditary Cancer Syndrome; Neoplastic Syndromes, Hereditary; Hereditary neoplastic syndrome; Tumor predisposition. Identifiers: Orphanet 140162, MedGen C0027672, MeSH D009386, MONDO:0015356.
Mitochondrial complex 2 deficiency, nuclear type 3. Also called: MITOCHONDRIAL COMPLEX II DEFICIENCY, NUCLEAR TYPE 3. Identifiers: MedGen C5436934, MONDO:0030937, OMIM 619167.

Allele frequency attached by ClinVar (database versions not stated): gnomAD exomes below 0.00001.
gnomAD v4.1: 1 of 1,614,128 alleles (0.000062%); highest among the groups gnomAD compares: Non-Finnish European, 0.000085%; no homozygotes.

Submissions (4):

GeneDx
Classification: Likely pathogenic. Last evaluated: 2024-07-01. Review status: criteria provided, single submitter. Criteria: GeneDx Variant Classification Process June 2021. Collection method: clinical testing. Allele origin: germline. Affected: yes.
Comment: Nonsense variant predicted to result in protein truncation, as the last 55 amino acids are lost, and other loss-of-function variants have been reported downstream in HGMD; Not observed at significant frequency in large population cohorts (gnomAD); This variant is associated with the following publications: (PMID: 23512077, 32741965, 38815921)

Labcorp Genetics (formerly Invitae), Labcorp
Classification: Pathogenic for Carney-Stratakis syndrome; Paragangliomas with sensorineural hearing loss; Pheochromocytoma; Cowden syndrome 3. Last evaluated: 2022-09-22. Review status: criteria provided, single submitter. Criteria: Invitae Variant Classification Sherloc (09022015). Collection method: clinical testing. Allele origin: germline.
Comment: This variant disrupts a region of the SDHD protein in which other variant(s) (p.Gln121*) have been determined to be pathogenic (PMID: 12000816; Invitae). This suggests that this is a clinically significant region of the protein, and that variants that disrupt it are likely to be disease-causing. This sequence change creates a premature translational stop signal (p.Trp105*) in the SDHD gene. While this is not anticipated to result in nonsense mediated decay, it is expected to disrupt the last 55 amino acid(s) of the SDHD protein. This variant is not present in population databases (gnomAD no frequency). This premature translational stop signal has been observed in individual(s) with paragangliomas (PMID: 23512077). ClinVar contains an entry for this variant (Variation ID: 428939). Algorithms developed to predict the effect of sequence changes on RNA splicing suggest that this variant may disrupt the consensus splice site. For these reasons, this variant has been classified as Pathogenic.

Greenwood Genetic Center Diagnostic Laboratories, Greenwood Genetic Center
Classification: Pathogenic for Mitochondrial complex 2 deficiency, nuclear type 3. Last evaluated: 2022-07-08. Review status: criteria provided, single submitter. Criteria: ACMG Guidelines, 2015. Collection method: clinical testing. Allele origin: germline.
Comment: PVS1 PM2 PS4_Supporting

Ambry Genetics
Classification: Pathogenic for Hereditary cancer-predisposing syndrome. Last evaluated: 2019-02-14. Review status: criteria provided, single submitter. Criteria: Ambry Variant Classification Scheme 2023. Collection method: clinical testing. Allele origin: germline.
Comment: The p.W105* pathogenic mutation (also known as c.314G>A), located in coding exon 3 of the SDHD gene, results from a G to A substitution at nucleotide position 314. This changes the amino acid from a tryptophan to a stop codon within coding exon 3. In addition to the clinical data presented in the literature, this alteration is expected to result in loss of function by premature protein truncation. As such, this alteration is interpreted as a disease-causing mutation.

Literature cited by the submitters: PubMed 12000816 (cited by Labcorp Genetics (formerly Invitae), Labcorp); PubMed 23512077 (cited by Labcorp Genetics (formerly Invitae), Labcorp).